The following is an entry in ClinVar:

ClinVar aggregate classification (germline): Conflicting classifications of pathogenicity. Review status: criteria provided, conflicting classifications (1 of 4 stars). 2 submissions from 2 submitters: Likely pathogenic (1); Uncertain significance (1). Last evaluated 2025-03-01.

Conditions:
Bethlem myopathy 1A. Also called: Bethlem Muscular Dystrophy; MYOPATHY, BENIGN CONGENITAL, WITH CONTRACTURES; Bethlem myopathy 1. Identifiers: Orphanet 610, MedGen CN029274, MONDO:0024530, OMIM 158810.

Allele frequency attached by ClinVar (database versions not stated): gnomAD exomes below 0.00001; gnomAD 0.00001; TOPMed 0.00001.
gnomAD v4.1: 3 of 1,553,872 alleles (0.00019%); highest among the groups gnomAD compares: African/African-American, 0.0014%; no homozygotes.

Submissions (2):

Labcorp Genetics (formerly Invitae), Labcorp
Classification: Uncertain significance for Bethlem myopathy 1A. Last evaluated: 2025-03-01. Review status: criteria provided, single submitter. Criteria: Invitae Variant Classification Sherloc (09022015). Collection method: clinical testing. Allele origin: germline.
Comment: This sequence change replaces glycine, which is neutral and non-polar, with arginine, which is basic and polar, at codon 556 of the COL6A1 protein (p.Gly556Arg). This variant is not present in population databases (gnomAD no frequency). This variant has not been reported in the literature in individuals affected with COL6A1-related conditions. ClinVar contains an entry for this variant (Variation ID: 286928). Invitae Evidence Modeling of protein sequence and biophysical properties (such as structural, functional, and spatial information, amino acid conservation, physicochemical variation, residue mobility, and thermodynamic stability) indicates that this missense variant is expected to disrupt COL6A1 protein function with a positive predictive value of 80%. In summary, the available evidence is currently insufficient to determine the role of this variant in disease. Therefore, it has been classified as a Variant of Uncertain Significance.

Eurofins Ntd Llc (ga)
Classification: Likely pathogenic. Last evaluated: 2016-03-23. Review status: criteria provided, single submitter. Criteria: EGL Classification Definitions 2015. Collection method: clinical testing. Allele origin: germline. Observed: 1 variant allele, 1 heterozygote.

NM_001848.3(COL6A1):c.1666G>A (p.Gly556Arg)

Gene: COL6A1 (collagen type VI alpha 1 chain; plus strand). Cytogenetic location: 21q22.3.
Variant type: single nucleotide variant.
Coding change: c.1666G>A on transcript NM_001848.3 (MANE Select); coding-DNA position 1666, G replaced by A.
Protein change: p.Gly556Arg; replaces glycine 556 with arginine.
Molecular consequence: missense variant.
Genome position (GRCh38, 1-based): chr21:45,998,951, G>A. VCF-style: chr21-45998951-G-A. GRCh37 (hg19) VCF-style: chr21-47418865-G-A.
Other names: short protein forms G556R.
Identifiers: ClinVar variation 286928 (VCV000286928.13), dbSNP rs886043521, ClinGen allele CA10605615.